The following is an entry in ClinVar:

ClinVar aggregate classification (germline): Uncertain significance (1 of 4 stars; one submission).

Conditions:
Hereditary cancer-predisposing syndrome. Also called: Neoplastic Syndromes, Hereditary; Tumor predisposition; Hereditary neoplastic syndrome; Hereditary Cancer Syndrome. Identifiers: Orphanet 140162, MedGen C0027672, MeSH D009386, MONDO:0015356.

Submission:

Ambry Genetics
Classification: Uncertain significance for Hereditary cancer-predisposing syndrome. Last evaluated: 2024-03-26. Review status: criteria provided, single submitter. Criteria: Ambry Variant Classification Scheme 2023. Collection method: clinical testing. Allele origin: germline.
Comment: The p.V331M variant (also known as c.991G>A), located in coding exon 5 of the RET gene, results from a G to A substitution at nucleotide position 991. The valine at codon 331 is replaced by methionine, an amino acid with highly similar properties. This alteration was identified in an individual diagnosed with sporadic Hirschsprung's disease (Sancandi M et al. J Pediatr Surg, 2000 Jan;35:139-42; discussion 142-3). This amino acid position is well conserved in available vertebrate species. In addition, the in silico prediction for this alteration is inconclusive. Based on the available evidence, the clinical significance of this alteration remains unclear.

Literature cited by the submitters: PubMed 10646792.

NM_020975.6(RET):c.991G>A (p.Val331Met)

Gene: RET (ret proto-oncogene; plus strand). Cytogenetic location: 10q11.21.
Variant type: single nucleotide variant.
Coding change: c.991G>A on transcript NM_020975.6 (MANE Select); coding-DNA position 991, G replaced by A.
Protein change: p.Val331Met; replaces valine 331 with methionine.
Molecular consequence: missense variant. On other transcripts: intron variant (25).
Genome position (GRCh38, 1-based): chr10:43,106,499, G>A. VCF-style: chr10-43106499-G-A. GRCh37 (hg19) VCF-style: chr10-43601947-G-A.
Other names: c.229G>A, p.Val77Met (NM_001355216.2); c.991G>A, p.Val331Met (NM_001406743.1, NM_001406744.1, NM_001406759.1 and 4 more transcripts); c.862G>A, p.Val288Met (NM_001406761.1, NM_001406762.1, NM_001406764.1 and 1 more transcripts); c.626-2532G>A (NM_001406771.1, NM_001406773.1); c.625+3870G>A (NM_001406782.1, NM_001406780.1, NM_001406779.1 and 3 more transcripts); c.738+1306G>A (NM_001406774.1); c.496+3870G>A (NM_001406786.1, NM_001406783.1); c.338-2532G>A (NM_001406778.1, NM_001406775.1, NM_001406776.1 and 1 more transcripts); and 5 more; short protein forms V235M, V77M, V288M, V331M.
Identifiers: ClinVar variation 3313704 (VCV003313704.1).
Genomic context (GRCh38, chr10:43,106,499, plus strand): 5'-GTGAGGCGGTACACAAGCACGCTGCTCCCCGGGGACACCTGGGCCCAGCAGACCTTCCGG[G>A]TGGAACACTGGCCCAACGAGACCTCGGTCCAGGCCAACGGCAGCTTCGTGCGGGCGACCG-3'
Protein context (NP_066124.1, residues 321-341): GDTWAQQTFR[Val331Met]EHWPNETSVQ